The following is an entry in ClinVar:

ClinVar aggregate classification (germline): Conflicting classifications of pathogenicity. Review status: criteria provided, conflicting classifications (1 of 4 stars). 3 submissions from 3 submitters: Uncertain significance (2); Likely benign (1). Last evaluated 2024-10-10.

Conditions:
Long QT syndrome (LQTS). Identifiers: MedGen C0023976, MeSH D008133, MONDO:0002442. Disease mechanism: loss of function. Inheritance: Various modes of inheritance.
Cardiovascular phenotype. Identifiers: MedGen CN230736.

Allele frequency attached by ClinVar (database versions not stated): TOPMed below 0.00001; gnomAD 0.00001; gnomAD exomes 0.00001 and 0.00004; ExAC 0.00002; 1000 Genomes Project 0.00020; 1000 Genomes Project 30x 0.00031.
gnomAD v4.1: 53 of 1,614,092 alleles (0.0033%); highest among the groups gnomAD compares: Non-Finnish European, 0.0045%; no homozygotes.

Submissions (3):

Labcorp Genetics (formerly Invitae), Labcorp
Classification: Uncertain significance for Long QT syndrome. Last evaluated: 2024-10-10. Review status: criteria provided, single submitter. Criteria: Invitae Variant Classification Sherloc (09022015). Collection method: clinical testing. Allele origin: germline.
Comment: This sequence change replaces valine, which is neutral and non-polar, with alanine, which is neutral and non-polar, at codon 2686 of the ANK2 protein (p.Val2686Ala). This variant is present in population databases (rs56095304, gnomAD 0.002%). This variant has not been reported in the literature in individuals affected with ANK2-related conditions. ClinVar contains an entry for this variant (Variation ID: 429915). An algorithm developed to predict the effect of missense changes on protein structure and function (PolyPhen-2) suggests that this variant is likely to be disruptive. In summary, the available evidence is currently insufficient to determine the role of this variant in disease. Therefore, it has been classified as a Variant of Uncertain Significance.

Ambry Genetics
Classification: Likely benign for Cardiovascular phenotype. Last evaluated: 2019-10-21. Review status: criteria provided, single submitter. Criteria: Ambry Variant Classification Scheme 2023. Collection method: clinical testing. Allele origin: germline.

GeneDx
Classification: Uncertain significance. Last evaluated: 2017-05-15. Review status: criteria provided, single submitter. Criteria: GeneDx Variant Classification (06012015). Collection method: clinical testing. Allele origin: germline. Affected: yes.
Comment: A variant of uncertain significance has been identified in the ANK2 gene. The V2686A variant has not been published as pathogenic or been reported as benign to our knowledge. Additionally, this variant is not observed at a significant frequency in large population cohorts (Lek et al., 2016; 1000 Genomes Consortium et al., 2015; Exome Variant Server). While this substitution occurs at a position that is conserved in mammals, alanine (A) is the wild-type residue at this position in at least one non-mammalian species. Additionally, V2686A is a conservative amino acid substitution, which is not likely to impact secondary protein structure as these residues share similar properties. Finally, in silico analysis is inconsistent in its predictions as to whether or not the variant is damaging to the protein structure/function.

NM_001148.6(ANK2):c.8057T>C (p.Val2686Ala)

Gene: ANK2 (ankyrin 2; plus strand). Cytogenetic location: 4q26.
Variant type: single nucleotide variant.
Coding change: c.8057T>C on transcript NM_001148.6 (MANE Select); coding-DNA position 8057, T replaced by C.
Protein change: p.Val2686Ala; replaces valine 2686 with alanine.
Molecular consequence: missense variant. On other transcripts: intron variant (68).
Genome position (GRCh38, 1-based): chr4:113,356,675, T>C. VCF-style: chr4-113356675-T-C. GRCh37 (hg19) VCF-style: chr4-114277831-T-C.
Other names: c.7823T>C, p.Val2608Ala (NM_001386142.1); c.4457T>C, p.Val1486Ala (NM_001386166.1); c.8198T>C, p.Val2733Ala (NM_001386174.1); c.8174T>C, p.Val2725Ala (NM_001386175.1); c.4412-4148T>C (NM_001386186.2, NM_001386148.2); c.4214-4148T>C (NM_001354269.3); c.4292-4148T>C (NM_001386187.2); c.4253-4148T>C (NM_001386147.1); and 35 more; short protein forms V2686A, V1486A, V2608A, V2725A, V2733A.
Identifiers: ClinVar variation 429915 (VCV000429915.9), dbSNP rs56095304, ClinGen allele CA3051704.